The following is an entry in ClinVar:

ClinVar aggregate classification (germline): Uncertain significance. Review status: criteria provided, multiple submitters, no conflicts (2 of 4 stars). 7 submissions from 7 submitters: Uncertain significance (6). 1 of the submissions does not count toward it. Last evaluated 2025-07-21.

Conditions:
Zellweger spectrum disorders (ZS). Also called: Zellweger syndrome; Zellweger Spectrum Disorder (ZSD); Zellweger Spectrum Disorder; Zellweger Spectrum. Identifiers: Orphanet 912, MedGen C0043459, MONDO:0019609.
PEX6-related disorder. Also called: PEX6-related condition; PEX6-related disorders.
Peroxisome biogenesis disorder. Identifiers: Orphanet 79189, MedGen C1832200, MONDO:0019234. Disease mechanism: loss of function.
Peroxisome biogenesis disorder 4A (Zellweger) (PBD4A). Also called: Zellweger syndrome spectrum (PEX6-related). Identifiers: Orphanet 912, MedGen C3553936, MONDO:0013930, OMIM 614862. Disease mechanism: loss of function.

Allele frequency attached by ClinVar (database versions not stated): gnomAD exomes 0.00004; ExAC 0.00005; ESP Exome Variant Server 0.00008; gnomAD 0.00011 and 0.00012; TOPMed 0.00011; 1000 Genomes Project 30x 0.00016; 1000 Genomes Project 0.00020.
gnomAD v4.1: 50 of 1,614,128 alleles (0.0031%); highest among the groups gnomAD compares: African/African-American, 0.029%; no homozygotes.

Submissions (7):

PreventionGenetics, part of Exact Sciences
Classification: Uncertain significance for PEX6-related condition. Last evaluated: 2025-07-21. Review status: criteria provided, single submitter. Criteria: ACMG Guidelines, 2015. Collection method: clinical testing. Allele origin: germline.
Comment: The PEX6 c.1606C>T variant is predicted to result in the amino acid substitution p.Arg536Trp. To our knowledge, this variant has not been reported in the literature. This variant is reported in 0.020% of alleles in individuals of African descent in gnomAD. At this time, the clinical significance of this variant is uncertain due to the absence of conclusive functional and genetic evidence.

GeneDx
Classification: Uncertain significance. Last evaluated: 2025-01-07. Review status: criteria provided, single submitter. Criteria: GeneDx Variant Classification Process June 2021. Collection method: clinical testing. Allele origin: germline. Affected: yes.
Comment: In silico analysis supports that this missense variant has a deleterious effect on protein structure/function; Has not been previously published as pathogenic or benign to our knowledge

Labcorp Genetics (formerly Invitae), Labcorp
Classification: Uncertain significance for Peroxisome biogenesis disorder. Last evaluated: 2022-08-06. Review status: criteria provided, single submitter. Criteria: Invitae Variant Classification Sherloc (09022015). Collection method: clinical testing. Allele origin: germline.
Comment: This sequence change replaces arginine, which is basic and polar, with tryptophan, which is neutral and slightly polar, at codon 536 of the PEX6 protein (p.Arg536Trp). This variant is present in population databases (rs368752843, gnomAD 0.02%). This variant has not been reported in the literature in individuals affected with PEX6-related conditions. ClinVar contains an entry for this variant (Variation ID: 499616). Algorithms developed to predict the effect of missense changes on protein structure and function output the following: SIFT: "Deleterious"; PolyPhen-2: "Benign"; Align-GVGD: "Class C0". The tryptophan amino acid residue is found in multiple mammalian species, which suggests that this missense change does not adversely affect protein function. In summary, the available evidence is currently insufficient to determine the role of this variant in disease. Therefore, it has been classified as a Variant of Uncertain Significance.

CENTOGENE GmbH and LLC - Guiding Precision Medicine
Classification: Uncertain significance for Peroxisome biogenesis disorder 4A (Zellweger). Last evaluated: 2019-06-21. Review status: criteria provided, single submitter. Criteria: ACMG Guidelines, 2015. Collection method: clinical testing. Allele origin: germline. Affected: yes.

Illumina Laboratory Services, Illumina
Classification: Uncertain significance for Peroxisome biogenesis disorder 4A (Zellweger). Last evaluated: 2018-01-13. Review status: criteria provided, single submitter. Criteria: ICSL Variant Classification Criteria 13 December 2019. Collection method: clinical testing. Allele origin: germline.

Eurofins Ntd Llc (ga)
Classification: Uncertain significance. Last evaluated: 2017-10-05. Review status: criteria provided, single submitter. Criteria: EGL Classification Definitions 2015. Collection method: clinical testing. Allele origin: germline. Observed: 2 variant alleles, 2 heterozygotes.

Natera, Inc.
Classification: Uncertain significance for Zellweger syndrome. Last evaluated: 2019-10-28. Review status: no assertion criteria provided. Collection method: clinical testing. Allele origin: germline. Not counted in ClinVar's aggregate classification.

NM_000287.4(PEX6):c.1606C>T (p.Arg536Trp)

Gene: PEX6 (peroxisomal biogenesis factor 6; minus strand). Cytogenetic location: 6p21.1.
Variant type: single nucleotide variant.
Coding change: c.1606C>T on transcript NM_000287.4 (MANE Select); coding-DNA position 1606, C replaced by T.
Protein change: p.Arg536Trp; replaces arginine 536 with tryptophan.
Molecular consequence: missense variant. On other transcripts: non-coding transcript variant (1).
Genome position (GRCh38, 1-based): chr6:42,968,372, G>A on the plus strand (C>T on the coding strand, the complement: PEX6 is on the minus strand). VCF-style: chr6-42968372-G-A. GRCh37 (hg19) VCF-style: chr6-42936110-G-A.
Other names: c.1342C>T, p.Arg448Trp (NM_001316313.2); short protein forms R536W, R448W.
Identifiers: ClinVar variation 499616 (VCV000499616.14), dbSNP rs368752843, ClinGen allele CA3811282.